The following is an entry in ClinVar:

NM_001267550.2(TTN):c.48160+1G>A

Genes: TTN-AS1 (TTN antisense RNA 1; plus strand), TTN (titin; minus strand). Cytogenetic location: 2q31.2.
Variant type: single nucleotide variant.
Coding change: c.48160+1G>A on transcript NM_001267550.2 (MANE Select); the canonical splice donor site of the intron after coding-DNA position 48160, G replaced by A.
Molecular consequence: splice donor variant.
Genome position (GRCh38, 1-based): chr2:178,616,728, C>T on the plus strand (G>A on the coding strand, the complement: TTN is on the minus strand). VCF-style: chr2-178616728-C-T. GRCh37 (hg19) VCF-style: chr2-179481455-C-T.
Other names: c.20965+1G>A (NM_003319.4); c.21541+1G>A (NM_133437.4); c.21340+1G>A (NM_133432.3); c.40456+1G>A (NM_133378.4); c.43237+1G>A (NM_001256850.1).
Identifiers: ClinVar variation 996000 (VCV000996000.7), dbSNP rs779498825, ClinGen allele CA349611884.

ClinVar aggregate classification (germline): Likely pathogenic. Review status: criteria provided, multiple submitters, no conflicts (2 of 4 stars). 3 submissions from 2 submitters: Likely pathogenic (3). Last evaluated 2021-01-20.

Conditions:
Myopathy, myofibrillar, 9, with early respiratory failure (MFM9). Also called: Hereditary myopathy with early respiratory failure; Myopathy, distal, with early respiratory failure, autosomal dominant; EDSTROM MYOPATHY; MYOPATHY, PROXIMAL, WITH EARLY RESPIRATORY MUSCLE INVOLVEMENT. Identifiers: Orphanet 178464, Orphanet 34521, MedGen C1863599, MONDO:0011362, OMIM 603689.
Hypertrophic cardiomyopathy 9. Also called: Familial hypertrophic cardiomyopathy 9. Identifiers: MedGen C1861065, MONDO:0013412, OMIM 613765.
Dilated cardiomyopathy 1G (CMD1G). Identifiers: Orphanet 154, MedGen C1858763, MONDO:0011400, OMIM 604145.

Submissions (3):

Diagnostics Services (NGS), CSIR - Centre For Cellular And Molecular Biology
Classification: Likely pathogenic for Hypertrophic cardiomyopathy 9; Dilated cardiomyopathy 1G. Last evaluated: 2021-01-20. Review status: criteria provided, single submitter. Criteria: ACMG Guidelines, 2015. Collection method: clinical testing. Allele origin: unknown. Inheritance: Autosomal dominant inheritance. Affected: yes. Observed: 1 variant allele, 1 heterozygote.
Comment: The c.21541+1G>A variant is not present in publicly available population databases like 1000 Genomes, EVS, ExAC, gnomAD and dbSNP. The variant is not present in our in-house exome database. The variant was notearlier reported to ClinVar, HGMD or OMIM databases. In-silico pathogenicity prediction programs like HSF3.1, MutationTaster2, CADD etc. predicted this variant to be likely deleterious. However no functional studies are available. Due to lack of enough evidence the variant has been classified as Likely Pathogenic.

Diagnostics Services (NGS), CSIR - Centre For Cellular And Molecular Biology
Classification: Likely pathogenic for Myopathy, myofibrillar, 9, with early respiratory failure; Hypertrophic cardiomyopathy 9; Dilated cardiomyopathy 1G. Last evaluated: 2021-01-20. Review status: criteria provided, single submitter. Criteria: ACMG Guidelines, 2015. Collection method: clinical testing. Allele origin: unknown. Inheritance: Autosomal dominant inheritance. Affected: yes. Observed: 1 variant allele, 1 heterozygote.
Comment: The c.21541+1G>A variant is not present in publicly available population databases like 1000 Genomes, EVS, ExAC, gnomAD and dbSNP. The variant is not present in our in-house exome database. The variant was not earlier reported to ClinVar, HGMD or OMIM databases. In-silico pathogenicity prediction programs like Human Splice Finder version 3.1 (HSF3.1), MutationTaster2, CADD etc. predicted this variant to be likely deleterious.However there are no reported or established functional studies present to prove it's pathogenicity. Due to lack of enough evidence the variant has been classified as Likely Pathogenic.

Clinical Biomedical Laboratory, Shriners Hospital For Children - Canada
Classification: Likely pathogenic for Dilated cardiomyopathy 1G. Review status: criteria provided, single submitter. Criteria: ACMG Guidelines, 2015. Collection method: clinical testing. Allele origin: germline. Affected: yes.
Comment: This variant is predicted to affect a canonical splice site in the splice donor site of exon 256 of TTN. This variant is expected to disrupt RNA splicing and lead to truncation of TTN. This variant is absent from the Genome Aggregation Database (v2.1.1), indicating it is very rare. Based on the ACMG variant interpretation guidelines (criteria: PVS1, PM2), the available evidence supports classification of this variant as likely pathogenic.